The following is an entry in ClinVar:

ClinVar aggregate classification (germline): Uncertain significance (1 of 4 stars; one submission).

Conditions:
SLC25A13-related disorder. Also called: SLC25A13-related condition.

gnomAD v4.1: 65 of 1,613,846 alleles (0.004%); highest among the groups gnomAD compares: Non-Finnish European, 0.0046%; no homozygotes.

Submission:

PreventionGenetics, part of Exact Sciences
Classification: Uncertain significance for SLC25A13-related condition. Last evaluated: 2025-08-12. Review status: criteria provided, single submitter. Criteria: ACMG Guidelines, 2015. Collection method: clinical testing. Allele origin: germline.
Comment: The SLC25A13 c.280G>A variant is predicted to result in the amino acid substitution p.Val94Ile. To our knowledge, this variant has not been reported in the literature. This variant is reported in 0.0046% of alleles in individuals of European (Non-Finnish) descent in gnomAD. At this time, the clinical significance of this variant is uncertain due to the absence of conclusive functional and genetic evidence.

NM_014251.3(SLC25A13):c.280G>A (p.Val94Ile)

Gene: SLC25A13 (solute carrier family 25 member 13; minus strand). Cytogenetic location: 7q21.3.
Variant type: single nucleotide variant.
Coding change: c.280G>A on transcript NM_014251.3 (MANE Select); coding-DNA position 280, G replaced by A.
Protein change: p.Val94Ile; replaces valine 94 with isoleucine.
Molecular consequence: missense variant.
Genome position (GRCh38, 1-based): chr7:96,234,850, C>T on the plus strand (G>A on the coding strand, the complement: SLC25A13 is on the minus strand). VCF-style: chr7-96234850-C-T. GRCh37 (hg19) VCF-style: chr7-95864162-C-T.
Other names: c.280G>A, p.Val94Ile (NM_001160210.2); short protein forms V94I.
Identifiers: ClinVar variation 4996327 (VCV004996327.1).